The following is an entry in ClinVar:

NM_199420.4(POLQ):c.3272T>G (p.Phe1091Cys)

Gene: POLQ (DNA polymerase theta; minus strand). Cytogenetic location: 3q13.33.
Variant type: single nucleotide variant.
Coding change: c.3272T>G on transcript NM_199420.4 (MANE Select); coding-DNA position 3272, T replaced by G.
Protein change: p.Phe1091Cys; replaces phenylalanine 1091 with cysteine.
Molecular consequence: missense variant.
Genome position (GRCh38, 1-based): chr3:121,489,659, A>C on the plus strand (T>G on the coding strand, the complement: POLQ is on the minus strand). VCF-style: chr3-121489659-A-C. GRCh37 (hg19) VCF-style: chr3-121208506-A-C.
Other names: short protein forms F1091C.
Identifiers: ClinVar variation 1729637 (VCV001729637.3), dbSNP rs2546787605, ClinGen allele CA354100909.

ClinVar aggregate classification (germline): Uncertain significance (1 of 4 stars; one submission).

Submission:

Ambry Genetics
Classification: Uncertain significance. Last evaluated: 2024-04-18. Review status: criteria provided, single submitter. Criteria: Ambry Variant Classification Scheme 2023. Collection method: clinical testing. Allele origin: germline.
Comment: The p.F1091C variant (also known as c.3272T>G), located in coding exon 16 of the POLQ gene, results from a T to G substitution at nucleotide position 3272. The phenylalanine at codon 1091 is replaced by cysteine, an amino acid with highly dissimilar properties. This amino acid position is conserved. In addition, this alteration is predicted to be tolerated by in silico analysis. Since supporting evidence is limited at this time, the clinical significance of this alteration remains unclear.